The following is an entry in ClinVar:

ClinVar aggregate classification (germline): Uncertain significance (1 of 4 stars; one submission).

Submission:

GeneDx
Classification: Uncertain significance. Last evaluated: 2025-06-30. Review status: criteria provided, single submitter. Criteria: GeneDx Variant Classification Process June 2021. Collection method: clinical testing. Allele origin: germline. Affected: yes.
Comment: Not observed at significant frequency in large population cohorts (gnomAD); In silico analysis supports that this missense variant has a deleterious effect on protein structure/function; Has not been previously published as pathogenic or benign to our knowledge

NM_001348323.3(TRIP12):c.1847T>C (p.Leu616Pro)

Gene: TRIP12 (thyroid hormone receptor interactor 12; minus strand). Cytogenetic location: 2q36.3.
Variant type: single nucleotide variant.
Coding change: c.1847T>C on transcript NM_001348323.3 (MANE Select); coding-DNA position 1847, T replaced by C.
Protein change: p.Leu616Pro; replaces leucine 616 with proline.
Molecular consequence: missense variant.
Genome position (GRCh38, 1-based): chr2:229,814,009, A>G on the plus strand (T>C on the coding strand, the complement: TRIP12 is on the minus strand). VCF-style: chr2-229814009-A-G. GRCh37 (hg19) VCF-style: chr2-230678725-A-G.
Other names: c.1721T>C, p.Leu574Pro (NM_001348318.2, NM_001348331.1, NM_001284215.2 and 2 more transcripts); c.1847T>C, p.Leu616Pro (NM_001348319.1, NM_001348320.2, NM_001348321.1 and 11 more transcripts); c.1760T>C, p.Leu587Pro (NM_001348332.1); c.1703T>C, p.Leu568Pro (NM_004238.3); c.812T>C, p.Leu271Pro (NM_001284216.2); short protein forms L271P, L568P, L574P, L587P, L616P.
Identifiers: ClinVar variation 4680884 (VCV004680884.1).
Genomic context (GRCh38, chr2:229,814,009, plus strand): 5'-CAATTAGCTGCAATTGCTAATGCATTTCTTTGGGCATTTATGCTGAAGAATTCTAGGTAC[A>G]GCAAGCAGTCTGCCAAACCACCCTAAAATATAGAAAACTGTTAAGGTAAAGAAAAATCCT-3'
Protein context (NP_001335252.1, residues 606-626): LQAGGLADCL[Leu616Pro]YLEFFSINAQ